The following is an entry in ClinVar:

NM_001009944.3(PKD1):c.2199C>G (p.Pro733=)

Gene: PKD1 (polycystin 1, transient receptor potential channel interacting; minus strand). Cytogenetic location: 16p13.3.
Variant type: single nucleotide variant.
Coding change: c.2199C>G on transcript NM_001009944.3 (MANE Select); coding-DNA position 2199, C replaced by G.
Protein change: p.Pro733=; no amino-acid change (proline 733 retained).
Molecular consequence: synonymous variant.
Genome position (GRCh38, 1-based): chr16:2,114,824, G>C on the plus strand (C>G on the coding strand, the complement: PKD1 is on the minus strand). VCF-style: chr16-2114824-G-C. GRCh37 (hg19) VCF-style: chr16-2164825-G-C.
Other names: c.2199C>G, p.Pro733= (NM_000296.4).
Identifiers: ClinVar variation 4978521 (VCV004978521.1).

ClinVar aggregate classification (germline): Likely benign (1 of 4 stars; one submission).

Conditions:
PKD1-related disorder. Also called: PKD1-related condition.

gnomAD v4.1: 48 of 1,246,958 alleles (0.0038%); highest among the groups gnomAD compares: Non-Finnish European, 0.0051%; no homozygotes.

Submission:

PreventionGenetics, part of Exact Sciences
Classification: Likely benign for PKD1-related condition. Last evaluated: 2026-02-08. Review status: criteria provided, single submitter. Criteria: ACMG Guidelines, 2015. Collection method: clinical testing. Allele origin: germline.
Comment: This variant is classified as likely benign based on ACMG/AMP sequence variant interpretation guidelines (Richards et al. 2015 PMID: 25741868, with internal and published modifications).